The following is an entry in ClinVar:

ClinVar aggregate classification (germline): Uncertain significance (1 of 4 stars; one submission).

Conditions:
X-linked agammaglobulinemia with growth hormone deficiency (IGHD3). Also called: FLEISHER SYNDROME; HYPOGAMMAGLOBULINEMIA AND ISOLATED GROWTH HORMONE DEFICIENCY, X-LINKED; IGHD III; AGAMMAGLOBULINEMIA AND ISOLATED GROWTH HORMONE DEFICIENCY, X-LINKED; Isolated growth hormone deficiency type 3; Growth hormone deficiency with hypogammaglobulinemia. Identifiers: Orphanet 231692, Orphanet 631, MedGen C0472813, MONDO:0010615, OMIM 307200.

Submission:

Labcorp Genetics (formerly Invitae), Labcorp
Classification: Uncertain significance for X-linked agammaglobulinemia with growth hormone deficiency. Last evaluated: 2018-08-15. Review status: criteria provided, single submitter. Criteria: Invitae Variant Classification Sherloc (09022015). Collection method: clinical testing. Allele origin: germline.
Comment: This sequence change replaces serine with proline at codon 55 of the BTK protein (p.Ser55Pro). The serine residue is highly conserved and there is a moderate physicochemical difference between serine and proline. This variant is not present in population databases (ExAC no frequency). This variant has not been reported in the literature in individuals with BTK-related disease. Algorithms developed to predict the effect of missense changes on protein structure and function are either unavailable or do not agree on the potential impact of this missense change (SIFT: "Tolerated"; PolyPhen-2: "Probably Damaging"; Align-GVGD: "Class C0"). In summary, the available evidence is currently insufficient to determine the role of this variant in disease. Therefore, it has been classified as a Variant of Uncertain Significance.

NM_000061.3(BTK):c.163T>C (p.Ser55Pro)

Gene: BTK (Bruton tyrosine kinase; minus strand). Cytogenetic location: Xq22.1.
Variant type: single nucleotide variant.
Coding change: c.163T>C on transcript NM_000061.3 (MANE Select); coding-DNA position 163, T replaced by C.
Protein change: p.Ser55Pro; replaces serine 55 with proline.
Molecular consequence: missense variant.
Genome position (GRCh38, 1-based): chrX:101,374,613, A>G on the plus strand (T>C on the coding strand, the complement: BTK is on the minus strand). VCF-style: chrX-101374613-A-G. GRCh37 (hg19) VCF-style: chrX-100629601-A-G.
Other names: c.265T>C, p.Ser89Pro (NM_001287344.2); c.163T>C, p.Ser55Pro (NM_001287345.2); short protein forms S55P, S89P.
Identifiers: ClinVar variation 653309 (VCV000653309.1), dbSNP rs1603019607, ClinGen allele CA413939064.